The following is an entry in ClinVar:

NM_006258.4(PRKG1):c.2005G>A (p.Glu669Lys)

Gene: PRKG1 (protein kinase cGMP-dependent 1; plus strand). Cytogenetic location: 10q21.1.
Variant type: single nucleotide variant.
Coding change: c.2005G>A on transcript NM_006258.4 (MANE Select); coding-DNA position 2005, G replaced by A.
Protein change: p.Glu669Lys; replaces glutamic acid 669 with lysine.
Molecular consequence: missense variant.
Genome position (GRCh38, 1-based): chr10:52,293,844, G>A. VCF-style: chr10-52293844-G-A. GRCh37 (hg19) VCF-style: chr10-54053604-G-A.
Other names: c.1960G>A, p.Glu654Lys (NM_001098512.3); c.796G>A, p.Glu266Lys (NM_001374781.1); short protein forms E266K, E654K, E669K.
Identifiers: ClinVar variation 1302360 (VCV001302360.2), dbSNP rs2132469753, ClinGen allele CA376536825.

ClinVar aggregate classification (germline): Uncertain significance (1 of 4 stars; one submission).

Submission:

GeneDx
Classification: Uncertain significance. Last evaluated: 2020-10-23. Review status: criteria provided, single submitter. Criteria: GeneDx Variant Classification Process June 2021. Collection method: clinical testing. Allele origin: germline. Affected: yes.
Comment: Has not been previously published as pathogenic or benign to our knowledge; Not observed in large population cohorts (Lek et al., 2016); In silico analysis supports that this missense variant does not alter protein structure/function